The following is an entry in ClinVar:

NM_001999.4(FBN2):c.2249-7C>A

Gene: FBN2 (fibrillin 2; minus strand). Cytogenetic location: 5q23.3.
Variant type: single nucleotide variant.
Coding change: c.2249-7C>A on transcript NM_001999.4 (MANE Select); 7 bases into the intron before coding-DNA position 2249, C replaced by A.
Molecular consequence: intron variant.
Genome position (GRCh38, 1-based): chr5:128,366,437, G>T on the plus strand (C>A on the coding strand, the complement: FBN2 is on the minus strand). VCF-style: chr5-128366437-G-T. GRCh37 (hg19) VCF-style: chr5-127702130-G-T.
Identifiers: ClinVar variation 2655685 (VCV002655685.25), dbSNP rs770410650, ClinGen allele CA3395598.

ClinVar aggregate classification (germline): Likely benign. Review status: criteria provided, multiple submitters, no conflicts (2 of 4 stars). 2 submissions from 2 submitters: Likely benign (2). Last evaluated 2025-12-17.

Conditions:
Congenital contractural arachnodactyly (CCA). Also called: BEALS SYNDROME; Beals-Hecht syndrome; Arthrogryposis, distal, type 9. Identifiers: Orphanet 115, MedGen C0220668, MONDO:0007363, OMIM 121050.

Allele frequency attached by ClinVar (database versions not stated): TOPMed below 0.00001; gnomAD 0.00001; gnomAD exomes 0.00002; ExAC 0.00003.
gnomAD v4.1: 24 of 1,593,332 alleles (0.0015%); highest among the groups gnomAD compares: South Asian, 0.026%; no homozygotes.

Submissions (2):

Labcorp Genetics (formerly Invitae), Labcorp
Classification: Likely benign for Congenital contractural arachnodactyly. Last evaluated: 2025-12-17. Review status: criteria provided, single submitter. Criteria: Invitae Variant Classification Sherloc (09022015). Collection method: clinical testing. Allele origin: germline.

CeGaT Center for Human Genetics Tuebingen
Classification: Likely benign. Last evaluated: 2022-06-01. Review status: criteria provided, single submitter. Criteria: CeGaT Center For Human Genetics Tuebingen Variant Classification Criteria Version 2. Collection method: clinical testing. Allele origin: germline. Affected: yes. Observed: 1 variant allele.
Comment: FBN2: BP4